The following is an entry in ClinVar:

NM_000419.5(ITGA2B):c.2602-3dup

Gene: ITGA2B (integrin subunit alpha 2b; minus strand). Cytogenetic location: 17q21.31.
Variant type: Duplication.
Coding change: c.2602-3dup on transcript NM_000419.5 (MANE Select); 3 bases into the intron before coding-DNA position 2602, one base duplicated (C; older notation c.2602-3dupC).
Molecular consequence: intron variant.
Genome position (GRCh38, 1-based): chr17:44,375,719, G duplicated on the plus strand (C on the coding strand, the reverse complement: ITGA2B is on the minus strand); the first of 7 consecutive G bases (chr17:44,375,719-44,375,725); duplicating any one gives the same sequence. VCF-style (leftmost placement, unchanged base first): chr17-44375718-T-TG. GRCh37 (hg19) VCF-style: chr17-42453086-T-TG.
Other names: p.?.
Identifiers: ClinVar variation 4684226 (VCV004684226.1).

ClinVar aggregate classification (germline): Likely benign (1 of 4 stars; one submission).

Submission:

Mayo Clinic Laboratories, Mayo Clinic
Classification: Likely benign. Last evaluated: 2025-02-04. Review status: criteria provided, single submitter. Criteria: ACMG Guidelines, 2015. Collection method: clinical testing. Allele origin: germline. Observed: 1 variant allele.
Comment: BP4, BP7